The following is an entry in ClinVar:

ClinVar aggregate classification (germline): Likely benign (1 of 4 stars; one submission).

gnomAD v4.1: 22 of 1,599,520 alleles (0.0014%); highest among the groups gnomAD compares: South Asian, 0.0034%; no homozygotes.

Submission:

CeGaT Center for Human Genetics Tuebingen
Classification: Likely benign. Last evaluated: 2025-03-01. Review status: criteria provided, single submitter. Criteria: CeGaT Center For Human Genetics Tuebingen Variant Classification Criteria Version 2. Collection method: clinical testing. Allele origin: germline. Affected: yes. Observed: 1 variant allele.
Comment: CTU2: BP4, BP7

NM_001012759.3(CTU2):c.840G>A (p.Ala280=)

Gene: CTU2 (cytosolic thiouridylase subunit 2; plus strand). Cytogenetic location: 16q24.3.
Variant type: single nucleotide variant.
Coding change: c.840G>A on transcript NM_001012759.3 (MANE Select); coding-DNA position 840, G replaced by A.
Protein change: p.Ala280=; no amino-acid change (alanine 280 retained).
Molecular consequence: synonymous variant.
Genome position (GRCh38, 1-based): chr16:88,713,414, G>A. VCF-style: chr16-88713414-G-A. GRCh37 (hg19) VCF-style: chr16-88779822-G-A.
Other names: c.840G>A, p.Ala280= (NM_001012762.3); c.1053G>A, p.Ala351= (NM_001318507.2); c.579G>A, p.Ala193= (NM_001318513.2).
Identifiers: ClinVar variation 3778087 (VCV003778087.7).